The following continues an entry in ClinVar:

NM_020975.6(RET):c.1852T>C (p.Cys618Arg)

Gene: RET. ClinVar aggregate classification (germline): Pathogenic/Likely pathogenic. Pathogenic (12); Likely pathogenic (1).

Submissions 9 to 15 of 15:

Athena Diagnostics
Classification: Pathogenic. Last evaluated: 2021-02-08. Review status: criteria provided, single submitter. Criteria: Athena Diagnostics criteria. Collection method: clinical testing. Allele origin: unknown.
Comment: The frequency of this variant in the general population is consistent with pathogenicity. The American Thyroid Association has placed this variant into the ATA-MOD category, which includes the former levels A and B, for having a moderate risk of developing aggressive medullary thyroid carcinoma (MTC; see PMID: 25810047). This variant has been reported to exhibit reduced penetrance in at least one family (PMID: 9259198). This variant segregates with disease in multiple families. Assessment of experimental evidence suggests this variant results in abnormal protein function. The variant showed transforming activity, with reduced RET surface expression (PMID: 9230192, 9879991, 30884088). Computational tools predict that this variant is damaging. The variant is located in a region that is considered important for protein function and/or structure.

Quest Diagnostics Nichols Institute San Juan Capistrano
Classification: Pathogenic. Last evaluated: 2021-02-08. Review status: criteria provided, single submitter. Criteria: Quest Diagnostics criteria. Collection method: clinical testing. Allele origin: unknown.
Comment: This variant is located at one of the hotspots associated with FMTC and MEN2A. In the published literature, the variant has been reported in multiple individuals/families with FMTC and MEN2A (PMID: 8675603 (1996), 9259198 (1997), 20979234 (2011), 21422799 (2011), 30763276 (2019)). A functional study also indicated the variant is damaging to RET protein function (PMID: 9230192 (1997)). Based on the available information, this variant is classified as pathogenic.

Centre for Mendelian Genomics, University Medical Centre Ljubljana
Classification: Pathogenic for Multiple endocrine neoplasia type 2B. Last evaluated: 2020-04-03. Review status: criteria provided, single submitter. Criteria: ACMG Guidelines, 2015. Collection method: clinical testing. Allele origin: unknown. Affected: yes.
Comment: This variant was classified as: Pathogenic. The following ACMG criteria were applied in classifying this variant: PS3_Mod,PS4_Str,PM1,PP1_Mod,PM5_Str,PP3,PP4_Sup.

ARUP Laboratories, Molecular Genetics and Genomics, ARUP Laboratories
Classification: Pathogenic. Last evaluated: 2018-02-11. Review status: criteria provided, single submitter. Criteria: ARUP Molecular Germline Variant Investigation Process. Collection method: clinical testing. Allele origin: germline.
Comment: The RET c.1852T>C; p.Cys618Arg variant (rs76262710) has been described in the literature in individuals and families with medullary thyroid cancer (MTC) (Hedayati 2011, Peretz 1997). Individuals with this variant show age-related penetrance for MTC and pheochromocytoma and variants in this codon have the high risk of developing MTC (Frank-Raue 2011). This variant is reported as pathogenic by several laboratories in ClinVar (Variation ID: 13929) and is observed in the general population at a low overall frequency of 0.0004% (1/244324 alleles) in the Genome Aggregation Database. The cysteine at codon 618 is highly conserved and computational algorithms (PolyPhen2, SIFT) predict this variant to be deleterious to protein function. Based on the above information, this variant is considered pathogenic. References: Frank-Raue K et al. Risk profiles and penetrance estimations in multiple endocrine neoplasia type 2A caused by germline RET mutations located in exon 10. Hum Mutat. 2011; 32(1):51-8. Hedayati M et al. Predominant RET Germline Mutations in Exons 10, 11, and 16 in Iranian Patients with Hereditary Medullary Thyroid Carcinoma. J Thyroid Res. 2011; Article ID 264248. Peretz H et al. Cys 618 Arg mutation in the RET proto-oncogene associated with familial medullary thyroid carcinoma and maternally transmitted Hirschsprung's disease suggesting a role for imprinting. Hum Mutat. 1997; 10(2):155-9.

Eurofins Ntd Llc (ga)
Classification: Pathogenic. Last evaluated: 2014-07-07. Review status: criteria provided, single submitter. Criteria: EGL Classification Definitions 2015. Collection method: clinical testing. Allele origin: germline. Observed: 2 variant alleles, 2 heterozygotes.

OMIM
Classification: Pathogenic for THYROID CARCINOMA, FAMILIAL MEDULLARY. Last evaluated: 2014-01-01. Review status: no assertion criteria provided. Collection method: literature only. Allele origin: germline. Not counted in ClinVar's aggregate classification.

OMIM
Classification: Pathogenic for MULTIPLE ENDOCRINE NEOPLASIA, TYPE IIA. Last evaluated: 2014-01-01. Review status: no assertion criteria provided. Collection method: literature only. Allele origin: germline. Not counted in ClinVar's aggregate classification.

Literature cited by the submitters: PubMed 7849720 (cited by 4 submitters); PubMed 7881414 (cited by 5 submitters); PubMed 8675603 (cited by 6 submitters); PubMed 9259198 (cited by 8 submitters); PubMed 11935126 (cited by 5 submitters); PubMed 14561794 (cited by 3 submitters); PubMed 20516206 (cited by 3 submitters); PubMed 20979234 (cited by 6 submitters); PubMed 21422799 (cited by 6 submitters); PubMed 21765987 (cited by 5 submitters); PubMed 24152999 (cited by 6 submitters); PubMed 25374962 (cited by Labcorp Genetics (formerly Invitae), Labcorp); PubMed 25628771 (cited by 4 submitters); PubMed 25694125 (cited by 3 submitters); PubMed 29097883 (cited by 3 submitters); PubMed 7824936 (cited by Labcorp Genetics (formerly Invitae), Labcorp); PubMed 9174404 (cited by Labcorp Genetics (formerly Invitae), Labcorp); PubMed 9230192 (cited by 6 submitters); PubMed 9879991 (cited by 5 submitters); PubMed 7915165 (cited by Labcorp Genetics (formerly Invitae), Labcorp and OMIM); PubMed 8099202 (cited by Labcorp Genetics (formerly Invitae), Labcorp); PubMed 8103403 (cited by Labcorp Genetics (formerly Invitae), Labcorp); PubMed 8807338 (cited by Labcorp Genetics (formerly Invitae), Labcorp); PubMed 9384613 (cited by Labcorp Genetics (formerly Invitae), Labcorp); PubMed 9498388 (cited by Labcorp Genetics (formerly Invitae), Labcorp); PubMed 9839497 (cited by Labcorp Genetics (formerly Invitae), Labcorp and Mayo Clinic Laboratories, Mayo Clinic); PubMed 21254918 (cited by Labcorp Genetics (formerly Invitae), Labcorp); PubMed 11386462 (cited by 3 submitters); PubMed 12788868 (cited by 3 submitters); PubMed 29396759 (cited by 3 submitters); PubMed 35174786 (cited by Mayo Clinic Laboratories, Mayo Clinic and Myriad Genetics, Inc.); PubMed 25810047 (cited by Myriad Genetics, Inc.); PubMed 15588376 (cited by 3 submitters); PubMed 21054478 (cited by Ambry Genetics); PubMed 30172768 (cited by Ambry Genetics); PubMed 20041006 (cited by Sema4); PubMed 18063059 (cited by 4 submitters); PubMed 17895320 (cited by 3 submitters); PubMed 10490816 (cited by Athena Diagnostics and Quest Diagnostics Nichols Institute San Juan Capistrano); PubMed 31510104 (cited by Athena Diagnostics and Quest Diagnostics Nichols Institute San Juan Capistrano); PubMed 30763276 (cited by Athena Diagnostics and Quest Diagnostics Nichols Institute San Juan Capistrano); PubMed 16275981 (cited by Athena Diagnostics and Quest Diagnostics Nichols Institute San Juan Capistrano); PubMed 15345114 (cited by Athena Diagnostics and Quest Diagnostics Nichols Institute San Juan Capistrano); PubMed 30884088 (cited by Athena Diagnostics and Quest Diagnostics Nichols Institute San Juan Capistrano); PubMed 10220148 (cited by Athena Diagnostics and Quest Diagnostics Nichols Institute San Juan Capistrano); PubMed 8114940 (cited by OMIM).